The following is an entry in ClinVar:

NM_000271.5(NPC1):c.526del (p.Leu176fs)

Gene: NPC1 (NPC intracellular cholesterol transporter 1; minus strand). Cytogenetic location: 18q11.2.
Variant type: Deletion.
Coding change: c.526del on transcript NM_000271.5 (MANE Select); coding-DNA position 526, one base deleted (C; older notation c.526delC).
Protein change: p.Leu176fs; shifts the reading frame from leucine 176.
Molecular consequence: frameshift variant.
Genome position (GRCh38, 1-based): chr18:23,561,465, G deleted on the plus strand (C on the coding strand, the reverse complement: NPC1 is on the minus strand); the first of 2 consecutive G bases (chr18:23,561,465-23,561,466); deleting either gives the same sequence. VCF-style (leftmost placement, unchanged base first): chr18-23561464-AG-A. GRCh37 (hg19) VCF-style: chr18-21141428-AG-A.
Other names: c.526delC (NM_000271.4); c.526del (NM_000271.4); short protein forms L176fs.
Identifiers: ClinVar variation 429737 (VCV000429737.3), dbSNP rs1131691558, ClinGen allele CA645369737.
Genomic context (GRCh38, chr18:23,561,464, plus strand): 5'-TTATTGAACATGTATTCAATCCAGTTGGTGGCATTACAGGCGTCAGCGTCCTTCCCACAC[AG>A]GAGTCCCAGGGCCTTGTCATTACTTGAGGGGGCCTCCACATCCCGGCAGGCATTGTACAT-3'

ClinVar aggregate classification (germline): Pathogenic (1 of 4 stars; one submission).

Submission:

GeneDx
Classification: Pathogenic. Last evaluated: 2023-11-06. Review status: criteria provided, single submitter. Criteria: GeneDx Variant Classification Process June 2021. Collection method: clinical testing. Allele origin: germline. Affected: yes.
Comment: Frameshift variant predicted to result in protein truncation or nonsense mediated decay in a gene for which loss of function is a known mechanism of disease; Not observed at significant frequency in large population cohorts (gnomAD); This variant is associated with the following publications: (PMID: 30919572)